The following is an entry in ClinVar:

NM_021830.5(TWNK):c.1115A>T (p.Gln372Leu)

Gene: TWNK (twinkle mtDNA helicase; plus strand). Cytogenetic location: 10q24.31.
Variant type: single nucleotide variant.
Coding change: c.1115A>T on transcript NM_021830.5 (MANE Select); coding-DNA position 1115, A replaced by T.
Protein change: p.Gln372Leu; replaces glutamine 372 with leucine.
Molecular consequence: missense variant. On other transcripts: intron variant (3), non-coding transcript variant (4).
Genome position (GRCh38, 1-based): chr10:100,989,325, A>T. VCF-style: chr10-100989325-A-T. GRCh37 (hg19) VCF-style: chr10-102749082-A-T.
Other names: c.-119-319A>T (NM_001163814.2, NM_001163813.2); c.-57-381A>T (NM_001368275.1); c.1115A>T, p.Gln372Leu (NM_001163812.2); short protein forms Q372L.
Identifiers: ClinVar variation 3610134 (VCV003610134.2).

ClinVar aggregate classification (germline): Uncertain significance (1 of 4 stars; one submission).

Submission:

Labcorp Genetics (formerly Invitae), Labcorp
Classification: Uncertain significance. Last evaluated: 2024-03-10. Review status: criteria provided, single submitter. Criteria: Invitae Variant Classification Sherloc (09022015). Collection method: clinical testing. Allele origin: germline.
Comment: This sequence change replaces glutamine, which is neutral and polar, with leucine, which is neutral and non-polar, at codon 372 of the TWNK protein (p.Gln372Leu). This variant is present in population databases (no rsID available, gnomAD 0.0009%). This variant has not been reported in the literature in individuals affected with TWNK-related conditions. Advanced modeling of protein sequence and biophysical properties (such as structural, functional, and spatial information, amino acid conservation, physicochemical variation, residue mobility, and thermodynamic stability) performed at Invitae indicates that this missense variant is expected to disrupt TWNK protein function with a positive predictive value of 95%. In summary, the available evidence is currently insufficient to determine the role of this variant in disease. Therefore, it has been classified as a Variant of Uncertain Significance.